The following is an entry in ClinVar:

NM_001244008.2(KIF1A):c.1037+5G>A

Gene: KIF1A (kinesin family member 1A; minus strand). Cytogenetic location: 2q37.3.
Variant type: single nucleotide variant.
Coding change: c.1037+5G>A on transcript NM_001244008.2 (MANE Select); 5 bases into the intron after coding-DNA position 1037, G replaced by A.
Molecular consequence: intron variant.
Genome position (GRCh38, 1-based): chr2:240,774,178, C>T on the plus strand (G>A on the coding strand, the complement: KIF1A is on the minus strand). VCF-style: chr2-240774178-C-T. GRCh37 (hg19) VCF-style: chr2-241713595-C-T.
Other names: c.1037+5G>A (NM_001379653.1, NM_001379650.1, NM_001379645.1 and 20 more transcripts).
Identifiers: ClinVar variation 2045945 (VCV002045945.4), dbSNP rs1411684742, ClinGen allele CA1339282490.

ClinVar aggregate classification (germline): Uncertain significance (1 of 4 stars; one submission).

Conditions:
Hereditary spastic paraplegia 30. Identifiers: Orphanet 101010, MedGen C5235139, MONDO:0012476.
Neuropathy, hereditary sensory, type 2C. Also called: Hereditary sensory and autonomic neuropathy type IIC; KIF1A-Related HSAN2 (HSAN2C). Identifiers: Orphanet 970, MedGen C3280168, MONDO:0013634, OMIM 614213.
Intellectual disability, autosomal dominant 9 (NESCAVS). Also called: NESCAV SYNDROME; KIF1A-Related Neurodevelopmental Disorder. Identifiers: Orphanet 662367, MedGen C5393830, MONDO:0013656, OMIM 614255.

Submission:

Labcorp Genetics (formerly Invitae), Labcorp
Classification: Uncertain significance for Hereditary spastic paraplegia 30; Neuropathy, hereditary sensory, type 2C; Intellectual disability, autosomal dominant 9. Last evaluated: 2022-04-24. Review status: criteria provided, single submitter. Criteria: Invitae Variant Classification Sherloc (09022015). Collection method: clinical testing. Allele origin: germline.
Comment: This sequence change falls in intron 11 of the KIF1A gene. It does not directly change the encoded amino acid sequence of the KIF1A protein. It affects a nucleotide within the consensus splice site. In summary, the available evidence is currently insufficient to determine the role of this variant in disease. Therefore, it has been classified as a Variant of Uncertain Significance. Variants that disrupt the consensus splice site are a relatively common cause of aberrant splicing (PMID: 17576681, 9536098). Algorithms developed to predict the effect of sequence changes on RNA splicing suggest that this variant is not likely to affect RNA splicing. This variant has not been reported in the literature in individuals affected with KIF1A-related conditions. This variant is not present in population databases (gnomAD no frequency).

Literature cited by the submitters: PubMed 17576681; PubMed 9536098.